The following is an entry in ClinVar:

NM_001042492.3(NF1):c.2839T>A (p.Ser947Thr)

Gene: NF1 (neurofibromin 1; plus strand). Cytogenetic location: 17q11.2.
Variant type: single nucleotide variant.
Coding change: c.2839T>A on transcript NM_001042492.3 (MANE Select); coding-DNA position 2839, T replaced by A.
Protein change: p.Ser947Thr; replaces serine 947 with threonine.
Molecular consequence: missense variant.
Genome position (GRCh38, 1-based): chr17:31,229,454, T>A. VCF-style: chr17-31229454-T-A. GRCh37 (hg19) VCF-style: chr17-29556472-T-A.
Other names: c.2839T>A, p.Ser947Thr (NM_000267.4); short protein forms S947T.
Identifiers: ClinVar variation 574058 (VCV000574058.11), dbSNP rs1567849219, ClinGen allele CA398985858.

ClinVar aggregate classification (germline): Conflicting classifications of pathogenicity. Review status: criteria provided, conflicting classifications (1 of 4 stars). 3 submissions from 3 submitters: Uncertain significance (2); Likely benign (1). Last evaluated 2026-05-06.

Conditions:
Juvenile myelomonocytic leukemia (JMML). Also called: LEUKEMIA, JUVENILE MYELOMONOCYTIC, SOMATIC. Identifiers: Orphanet 86834, MedGen C0349639, MONDO:0011908, OMIM 607785, HP:0012209.
Cardiovascular phenotype. Identifiers: MedGen CN230736.
Hereditary cancer-predisposing syndrome. Also called: Tumor predisposition; Hereditary Cancer Syndrome; Neoplastic Syndromes, Hereditary; Hereditary neoplastic syndrome. Identifiers: Orphanet 140162, MedGen C0027672, MeSH D009386, MONDO:0015356.
Neurofibromatosis, type 1 (NF1). Also called: VON RECKLINGHAUSEN DISEASE; Neurofibromatosis, type I; NEUROFIBROMATOSIS, TYPE I, SOMATIC; Peripheral type neurofibromatosis. Identifiers: Orphanet 636, MedGen C0027831, MONDO:0018975, OMIM 162200. Disease mechanism: loss of function.

Submissions (3):

Ambry Genetics
Classification: Likely benign for Cardiovascular phenotype; Hereditary cancer-predisposing syndrome. Last evaluated: 2026-05-06. Review status: criteria provided, single submitter. Criteria: Ambry Variant Classification Scheme 2023. Collection method: clinical testing. Allele origin: germline.

Labcorp Genetics (formerly Invitae), Labcorp
Classification: Uncertain significance for Neurofibromatosis, type 1. Last evaluated: 2024-09-15. Review status: criteria provided, single submitter. Criteria: Invitae Variant Classification Sherloc (09022015). Collection method: clinical testing. Allele origin: germline.
Comment: This sequence change replaces serine, which is neutral and polar, with threonine, which is neutral and polar, at codon 947 of the NF1 protein (p.Ser947Thr). This variant is not present in population databases (gnomAD no frequency). This variant has not been reported in the literature in individuals affected with NF1-related conditions. ClinVar contains an entry for this variant (Variation ID: 574058). Invitae Evidence Modeling of protein sequence and biophysical properties (such as structural, functional, and spatial information, amino acid conservation, physicochemical variation, residue mobility, and thermodynamic stability) indicates that this missense variant is not expected to disrupt NF1 protein function with a negative predictive value of 95%. In summary, the available evidence is currently insufficient to determine the role of this variant in disease. Therefore, it has been classified as a Variant of Uncertain Significance.

Baylor Genetics
Classification: Uncertain significance for Juvenile myelomonocytic leukemia. Last evaluated: 2024-02-23. Review status: criteria provided, single submitter. Criteria: ACMG Guidelines, 2015. Collection method: clinical testing. Allele origin: unknown.